The following is an entry in ClinVar:

NM_005239.6(ETS2):c.243A>G (p.Gln81=)

Genes: ETS2 (ETS proto-oncogene 2, transcription factor; plus strand), LOC126653370 (CDK7 strongly-dependent group 2 enhancer GRCh37_chr21:40185951-40187150; plus strand). Cytogenetic location: 21q22.2.
Variant type: single nucleotide variant.
Coding change: c.243A>G on transcript NM_005239.6 (MANE Select); coding-DNA position 243, A replaced by G.
Protein change: p.Gln81=; no amino-acid change (glutamine 81 retained).
Molecular consequence: synonymous variant.
Genome position (GRCh38, 1-based): chr21:38,814,331, A>G. VCF-style: chr21-38814331-A-G. GRCh37 (hg19) VCF-style: chr21-40186255-A-G.
Other names: c.663A>G, p.Gln221= (NM_001256295.2).
Identifiers: ClinVar variation 771783 (VCV000771783.29), dbSNP rs11700777, ClinGen allele CA10025446.

ClinVar aggregate classification (germline): Benign/Likely benign. Review status: criteria provided, multiple submitters, no conflicts (2 of 4 stars). 3 submissions from 3 submitters: Benign (2); Likely benign (1). Last evaluated 2022-03-01.

Allele frequency attached by ClinVar (database versions not stated): 1000 Genomes Project 30x 0.00016; 1000 Genomes Project 0.00020; TOPMed 0.00142; gnomAD exomes 0.00151 and 0.00233; ExAC 0.00163; gnomAD 0.00186 and 0.00191; ESP Exome Variant Server 0.00192.
gnomAD v4.1: 3,691 of 1,614,148 alleles (0.23%); highest among the groups gnomAD compares: Non-Finnish European, 0.29%; 8 homozygotes.

Submissions (3):

CeGaT Center for Human Genetics Tuebingen
Classification: Likely benign. Last evaluated: 2022-03-01. Review status: criteria provided, single submitter. Criteria: CeGaT Center For Human Genetics Tuebingen Variant Classification Criteria Version 2. Collection method: clinical testing. Allele origin: germline. Affected: yes. Observed: 1 variant allele.
Comment: ETS2: BP4, BP7

Labcorp Genetics (formerly Invitae), Labcorp
Classification: Benign. Last evaluated: 2019-12-31. Review status: criteria provided, single submitter. Criteria: Invitae Variant Classification Sherloc (09022015). Collection method: clinical testing. Allele origin: germline.

Breakthrough Genomics
Classification: Benign. Review status: criteria provided, single submitter. Criteria: ACMG Guidelines, 2015. Collection method: not provided. Allele origin: germline. Inheritance: Unknown mechanism. Affected: yes.